The following is an entry in ClinVar:

ClinVar aggregate classification (germline): Conflicting classifications of pathogenicity. Review status: criteria provided, conflicting classifications (1 of 4 stars). 7 submissions from 7 submitters: Uncertain significance (5); Likely benign (2). Last evaluated 2025-10-29.

Conditions:
Atypical hemolytic-uremic syndrome with thrombomodulin anomaly. Also called: HEMOLYTIC UREMIC SYNDROME, ATYPICAL, SUSCEPTIBILITY TO, 6; AHUS, SUSCEPTIBILITY TO, 6. Identifiers: MedGen C2752036, MONDO:0013044, OMIM 612926. Disease mechanism: gain of function.
Thrombomodulin-related bleeding disorder (THPH12). Also called: Thrombophilia due to thrombomodulin defect. Identifiers: Orphanet 436169, MedGen C3280976, MONDO:0013775, OMIM 614486.
Inborn genetic diseases. Identifiers: MedGen C0950123, MeSH D030342.

Allele frequency attached by ClinVar (database versions not stated): 1000 Genomes Project 30x 0.00016; 1000 Genomes Project 0.00020; TOPMed 0.00023; gnomAD 0.00025.
gnomAD v4.1: 52 of 1,560,750 alleles (0.0033%); highest among the groups gnomAD compares: African/African-American, 0.066%; no homozygotes.

Submissions (7):

Labcorp Genetics (formerly Invitae), Labcorp
Classification: Uncertain significance. Last evaluated: 2025-10-29. Review status: criteria provided, single submitter. Criteria: Invitae Variant Classification Sherloc (09022015). Collection method: clinical testing. Allele origin: germline.
Comment: This sequence change replaces arginine, which is basic and polar, with proline, which is neutral and non-polar, at codon 101 of the THBD protein (p.Arg101Pro). This variant is present in population databases (rs546519295, gnomAD 0.06%), and has an allele count higher than expected for a pathogenic variant. This variant has not been reported in the literature in individuals affected with THBD-related conditions. ClinVar contains an entry for this variant (Variation ID: 897138). An algorithm developed to predict the effect of missense changes on protein structure and function outputs the following: PolyPhen-2: "Benign". The proline amino acid residue is found in multiple mammalian species, which suggests that this missense change does not adversely affect protein function. In summary, the available evidence is currently insufficient to determine the role of this variant in disease. Therefore, it has been classified as a Variant of Uncertain Significance.

Mayo Clinic Laboratories, Mayo Clinic
Classification: Uncertain significance. Last evaluated: 2025-03-12. Review status: criteria provided, single submitter. Criteria: ACMG Guidelines, 2015. Collection method: clinical testing. Allele origin: germline. Observed: 2 variant alleles.
Comment: BP4

Blueprint Genetics
Classification: Likely benign. Last evaluated: 2024-02-12. Review status: criteria provided, single submitter. Criteria: ACMG Guidelines, 2015. Collection method: clinical testing. Allele origin: germline.

GeneDx
Classification: Uncertain significance. Last evaluated: 2024-02-12. Review status: criteria provided, single submitter. Criteria: GeneDx Variant Classification Process June 2021. Collection method: clinical testing. Allele origin: germline. Affected: yes.
Comment: In silico analysis supports that this missense variant does not alter protein structure/function; Has not been previously published as pathogenic or benign to our knowledge

Fulgent Genetics
Classification: Uncertain significance for Atypical hemolytic-uremic syndrome with thrombomodulin anomaly; Thrombomodulin-related bleeding disorder. Last evaluated: 2022-02-01. Review status: criteria provided, single submitter. Criteria: ACMG Guidelines, 2015. Collection method: clinical testing. Allele origin: unknown.

Ambry Genetics
Classification: Likely benign for Inborn genetic diseases. Last evaluated: 2021-10-27. Review status: criteria provided, single submitter. Criteria: Ambry Variant Classification Scheme 2023. Collection method: clinical testing. Allele origin: germline.

Illumina Laboratory Services, Illumina
Classification: Uncertain significance for Atypical hemolytic-uremic syndrome with thrombomodulin anomaly. Last evaluated: 2018-01-13. Review status: criteria provided, single submitter. Criteria: ICSL Variant Classification Criteria 13 December 2019. Collection method: clinical testing. Allele origin: germline.

NM_000361.3(THBD):c.302G>C (p.Arg101Pro)

Gene: THBD (thrombomodulin; minus strand). Cytogenetic location: 20p11.21.
Variant type: single nucleotide variant.
Coding change: c.302G>C on transcript NM_000361.3 (MANE Select); coding-DNA position 302, G replaced by C.
Protein change: p.Arg101Pro; replaces arginine 101 with proline.
Molecular consequence: missense variant.
Genome position (GRCh38, 1-based): chr20:23,049,203, C>G on the plus strand (G>C on the coding strand, the complement: THBD is on the minus strand). VCF-style: chr20-23049203-C-G. GRCh37 (hg19) VCF-style: chr20-23029840-C-G.
Other names: p.Arg101Pro; short protein forms R101P.
Identifiers: ClinVar variation 897138 (VCV000897138.17), dbSNP rs546519295, ClinGen allele CA9787756.